The following is an entry in ClinVar:

NM_005428.4(VAV1):c.67G>A (p.Val23Met)

Gene: VAV1 (vav guanine nucleotide exchange factor 1; plus strand). Cytogenetic location: 19p13.3.
Variant type: single nucleotide variant.
Coding change: c.67G>A on transcript NM_005428.4 (MANE Select); coding-DNA position 67, G replaced by A.
Protein change: p.Val23Met; replaces valine 23 with methionine.
Molecular consequence: missense variant.
Genome position (GRCh38, 1-based): chr19:6,772,874, G>A. VCF-style: chr19-6772874-G-A. GRCh37 (hg19) VCF-style: chr19-6772885-G-A.
Other names: c.67G>A, p.Val23Met (NM_001258206.2, NM_001258207.2); short protein forms V23M.
Identifiers: ClinVar variation 2699631 (VCV002699631.3), dbSNP rs2144677529, ClinGen allele CA403647854.
Genomic context (GRCh38, chr19:6,772,874, plus strand): 5'-CTGTGGCGCCAATGCACCCACTGGCTCATCCAGTGCCGGGTGCTGCCGCCCAGCCACCGC[G>A]TGACCTGGGATGGGGCTCAGGTGTGTGAACTGGCCCAGGCCCTCCGGGATGGTGTCCTTC-3'
Protein context (NP_005419.2, residues 13-33): QCRVLPPSHR[Val23Met]TWDGAQVCEL

ClinVar aggregate classification (germline): Uncertain significance (1 of 4 stars; one submission).

Allele frequency attached by ClinVar (database versions not stated): gnomAD exomes below 0.00001.
gnomAD v4.1: 2 of 1,614,138 alleles (0.00012%); highest among the groups gnomAD compares: South Asian, 0.0011%; no homozygotes.

Submission:

Labcorp Genetics (formerly Invitae), Labcorp
Classification: Uncertain significance. Last evaluated: 2024-01-20. Review status: criteria provided, single submitter. Criteria: Invitae Variant Classification Sherloc (09022015). Collection method: clinical testing. Allele origin: germline.
Comment: This sequence change replaces valine, which is neutral and non-polar, with methionine, which is neutral and non-polar, at codon 23 of the VAV1 protein (p.Val23Met). This variant is not present in population databases (gnomAD no frequency). This variant has not been reported in the literature in individuals affected with VAV1-related conditions. An algorithm developed to predict the effect of missense changes on protein structure and function (PolyPhen-2) suggests that this variant is likely to be disruptive. In summary, the available evidence is currently insufficient to determine the role of this variant in disease. Therefore, it has been classified as a Variant of Uncertain Significance.